The following is an entry in ClinVar:

NM_000642.3(AGL):c.4456del (p.Ser1486fs)

Gene: AGL (amylo-alpha-1,6-glucosidase and 4-alpha-glucanotransferase; plus strand). Cytogenetic location: 1p21.2.
Variant type: Deletion.
Coding change: c.4456del on transcript NM_000642.3 (MANE Select); coding-DNA position 4456, one base deleted (T; older notation c.4456delT).
Protein change: p.Ser1486fs; shifts the reading frame from serine 1486.
Molecular consequence: frameshift variant.
Genome position (GRCh38, 1-based): chr1:99,916,706, T deleted; the last of 3 consecutive T bases (chr1:99,916,704-99,916,706); deleting any one gives the same sequence. VCF-style (leftmost placement, unchanged base first): chr1-99916703-CT-C. GRCh37 (hg19) VCF-style: chr1-100382259-CT-C.
Other names: p.Ser1486Profs*18; c.4456del (NM_000642.2); c.4456delT (NM_000642.3); c.4455delT (NM_000642.2); c.4456delT, p.Ser1486Profs (NM_000028.3, NM_000643.3, NM_000644.3 and 1 more transcripts); c.4408delT, p.Ser1470Profs (NM_000646.3); c.4435delT, p.Ser1479Profs (NM_001425326.1); c.4255delT, p.Ser1419Profs (NM_001425327.1); and 3 more; short protein forms S1470fs, S1486fs.
Identifiers: ClinVar variation 1098 (VCV000001098.65), dbSNP rs113994134, ClinGen allele CA114758.

ClinVar aggregate classification (germline): Pathogenic. Review status: criteria provided, multiple submitters, no conflicts (2 of 4 stars). 15 submissions from 15 submitters: Pathogenic (12). 3 of the submissions do not count toward it. Last evaluated 2025-10-20.

Conditions:
AGL-related disorder. Also called: AGL-related condition.
Glycogen storage disease IIIa (GSD IIIa). Also called: Glycogen Storage Disease Type IIIa (GSD IIIa). Identifiers: MedGen C1968739.
Glycogen storage disease type III (GSD3). Also called: FORBES DISEASE; Cori disease. Identifiers: Orphanet 366, MedGen C0017922, MONDO:0009291, OMIM 232400.

Submissions (15):

Labcorp Genetics (formerly Invitae), Labcorp
Classification: Pathogenic for Glycogen storage disease type III. Last evaluated: 2025-10-20. Review status: criteria provided, single submitter. Criteria: Invitae Variant Classification Sherloc (09022015). Collection method: clinical testing. Allele origin: germline.
Comment: This sequence change creates a premature translational stop signal (p.Ser1486Profs*18) in the AGL gene. While this is not anticipated to result in nonsense mediated decay, it is expected to disrupt the last 47 amino acid(s) of the AGL protein. This variant is not present in population databases (gnomAD no frequency). This premature translational stop signal has been observed in individuals with glycogen storage disease III (PMID: 9412782, 25388549, 25602008, 27065010, 27460348). This variant is also known as c.4455delT. ClinVar contains an entry for this variant (Variation ID: 1098). For these reasons, this variant has been classified as Pathogenic.

Immunogenetics and Transplant Biology Service, University Hospital "Città della Salute e della Scienza di Torino"
Classification: Pathogenic for Glycogen storage disease type III. Last evaluated: 2025-06-28. Review status: criteria provided, single submitter. Criteria: ACMG Guidelines, 2015. Collection method: clinical testing. Allele origin: germline. Affected: yes.

Mayo Clinic Laboratories, Mayo Clinic
Classification: Pathogenic. Last evaluated: 2025-05-06. Review status: criteria provided, single submitter. Criteria: ACMG Guidelines, 2015. Collection method: clinical testing. Allele origin: germline. Observed: 1 variant allele.
Comment: PP4, PM2_supporting, PM3_very_strong, PVS1

Natera, Inc.
Classification: Pathogenic for Glycogen storage disease type III. Last evaluated: 2025-04-23. Review status: criteria provided, single submitter. Criteria: Natera Variant Classification Schema (03/2026). Collection method: clinical testing. Allele origin: germline.
Comment: The c.4456delT variant in AGL is a frameshift variant predicted to shift the reading frame beginning at codon 1486 and leads to a stop codon 18 codons downstream. This variant is expected to result in nonsense mediated decay, truncation, or a dysfunctional protein product. This variant is rare in the general population with a frequency below the threshold expected for the associated phenotype(s). This variant has been observed in one or more individuals affected with the associated recessive disease, as either homozygous or compound heterozygous with a second variant (PMID: 28888851, 25602008). Given the available evidence, this variant is classified as Pathogenic.

Blueprint Genetics
Classification: Pathogenic for AGL-related disorders. Last evaluated: 2024-07-10. Review status: criteria provided, single submitter. Criteria: ACMG Guidelines, 2015. Collection method: clinical testing. Allele origin: germline. Affected: yes. Observed: 5 variant alleles.

Baylor Genetics
Classification: Pathogenic for Glycogen storage disease type III. Last evaluated: 2023-06-20. Review status: criteria provided, single submitter. Criteria: ACMG Guidelines, 2015. Collection method: clinical testing. Allele origin: unknown.

3billion
Classification: Pathogenic for Glycogen storage disease type III. Last evaluated: 2022-09-01. Review status: criteria provided, single submitter. Criteria: ACMG Guidelines, 2015. Collection method: clinical testing. Allele origin: germline. Affected: yes. Observed: 1 homozygote.
Comment: The variant is observed at an extremely low frequency in the gnomAD v2.1.1 dataset (total allele frequency: <0.001%). Frameshift variant is predicted to result in a loss or disruption of normal protein function through protein truncation. The predicted truncated protein may be shortened by less than 10%. The variant has been observed in at least two similarly affected unrelated individuals (PMID: 9412782 / 3billion dataset). The variant has been reported to be in trans with a pathogenic variant as either compound heterozygous or homozygous in at least one similarly affected unrelated individual (PMID: 25388549 , 9412782 / 3billion dataset). The variant has been reported at least twice as pathogenic with clinical assertions and evidence for the classification (ClinVar ID: VCV000001098 / PMID: 9412782). Therefore, this variant is classified as Pathogenic according to the recommendation of ACMG/AMP guideline.

Genome-Nilou Lab
Classification: Pathogenic for Glycogen storage disease type III. Last evaluated: 2021-07-15. Review status: criteria provided, single submitter. Criteria: ACMG Guidelines, 2015. Collection method: clinical testing. Allele origin: germline. Affected: no.

GeneDx
Classification: Pathogenic. Last evaluated: 2020-11-25. Review status: criteria provided, single submitter. Criteria: GeneDx Variant Classification Process June 2021. Collection method: clinical testing. Allele origin: germline. Affected: yes.
Comment: Frameshift variant in the C-terminus predicted to result in protein truncation, as the last 47 amino acids are lost and replaced with 17 incorrect amino acids (Stenson et al., 2014);; Not observed at a significant frequency in large population cohorts (Lek et al., 2016); This variant is associated with the following publications: (PMID: 31661040, 28888851, 25388549, 25602008, 27460348, 9412782)

Myriad Genetics, Inc.
Classification: Pathogenic for Glycogen storage disease type III. Last evaluated: 2019-12-20. Review status: criteria provided, single submitter. Criteria: Myriad Women's Health Autosomal Recessive and X-Linked Classification Criteria (2019). Collection method: clinical testing. Allele origin: unknown.
Comment: NM_000642.2(AGL):c.4456delT(S1486Pfs*18) is classified as pathogenic in the context of glycogen storage disease type III. Sources cited for classification include the following: PMID 9412782 and 25602008. Classification of NM_000642.2(AGL):c.4456delT(S1486Pfs*18) is based on the following criteria: The variant causes a premature termination codon that is not expected to be targeted by nonsense-mediated mRNA decay; however, literature evidence strongly supports pathogenicity. Please note: this variant was assessed in the context of healthy population screening.

CeGaT Center for Human Genetics Tuebingen
Classification: Pathogenic. Last evaluated: 2018-11-01. Review status: criteria provided, single submitter. Criteria: CeGaT Center For Human Genetics Tuebingen Variant Classification Criteria Version 2. Collection method: clinical testing. Allele origin: germline. Affected: yes. Observed: 1 variant allele.

Eurofins Ntd Llc (ga)
Classification: Pathogenic. Last evaluated: 2014-06-13. Review status: criteria provided, single submitter. Criteria: EGL Classification Definitions 2015. Collection method: clinical testing. Allele origin: germline.

PreventionGenetics, part of Exact Sciences
Classification: Pathogenic for AGL-related condition. Last evaluated: 2024-04-22. Review status: no assertion criteria provided. Collection method: clinical testing. Allele origin: germline. Not counted in ClinVar's aggregate classification.
Comment: The AGL c.4456delT variant is predicted to result in a frameshift and premature protein termination (p.Ser1486Profs*18). This variant was reported in the homozygous or compound heterozygous state in individuals with glycogen storage disease IIIa (Parvari et al. 1997. PubMed ID: 9412782; Rousseau-Nepton et al. 2015. PubMed ID: 25602008; Decostre et al. 2017. PubMed ID: 28888851; Laforêt et al. 2019. PubMed ID: 31661040; Wen et al. 2022. PubMed ID: 35199448) and as a suspected founder variant in the Inuit population (Rousseau-Nepton et al. 2015. PubMed ID: 25602008). This variant is reported in 0.0018% of alleles in individuals of European (Non-Finnish) descent in gnomAD. Frameshift variants in AGL are expected to be pathogenic. This variant is interpreted as pathogenic.

OMIM
Classification: Pathogenic for GLYCOGEN STORAGE DISEASE, TYPE IIIa. Last evaluated: 1997-09-01. Review status: no assertion criteria provided. Collection method: literature only. Allele origin: germline. Not counted in ClinVar's aggregate classification.

GeneReviews
No classification provided. Condition: Glycogen storage disease type III. Review status: no classification provided. Collection method: literature only. Allele origin: germline. Not counted in ClinVar's aggregate classification.
Comment: Founder variant in North African Jewish persons and those of Inuit descent

Literature cited by the submitters: PubMed 9412782 (cited by 6 submitters); PubMed 25388549 (cited by 3 submitters); PubMed 25602008 (cited by 5 submitters); PubMed 27065010 (cited by Labcorp Genetics (formerly Invitae), Labcorp); PubMed 27460348 (cited by Labcorp Genetics (formerly Invitae), Labcorp); PubMed 28888851 (cited by Mayo Clinic Laboratories, Mayo Clinic and Natera, Inc.); PubMed 31661040 (cited by Mayo Clinic Laboratories, Mayo Clinic); PubMed 35199448 (cited by Mayo Clinic Laboratories, Mayo Clinic); NCBI Bookshelf NBK26372 (cited by GeneReviews).